The following is an entry in ClinVar:

ClinVar aggregate classification (germline): Uncertain significance (1 of 4 stars; one submission).

Conditions:
Congenital myasthenic syndrome 10. Also called: Myasthenia, limb-girdle, familial. Identifiers: Orphanet 590, MedGen C1850792, MONDO:0009690, OMIM 254300.
Fetal akinesia deformation sequence 1 (FADS1). Also called: Pena-Shokeir syndrome type I; Fetal akinesia sequence. Identifiers: Orphanet 994, MedGen C1276035, MONDO:0100101, OMIM 208150, HP:0001989.

Allele frequency attached by ClinVar (database versions not stated): gnomAD exomes below 0.00001.

Submission:

Labcorp Genetics (formerly Invitae), Labcorp
Classification: Uncertain significance for Congenital myasthenic syndrome 10; Fetal akinesia deformation sequence 1. Last evaluated: 2021-09-01. Review status: criteria provided, single submitter. Criteria: Invitae Variant Classification Sherloc (09022015). Collection method: clinical testing. Allele origin: germline.
Comment: This sequence change replaces leucine with arginine at codon 236 of the DOK7 protein (p.Leu236Arg). The leucine residue is weakly conserved and there is a moderate physicochemical difference between leucine and arginine. This variant is not present in population databases (ExAC no frequency). This variant has not been reported in the literature in individuals affected with DOK7-related conditions. Algorithms developed to predict the effect of missense changes on protein structure and function are either unavailable or do not agree on the potential impact of this missense change (SIFT: "Deleterious"; PolyPhen-2: "Possibly Damaging"; Align-GVGD: "Class C0"). In summary, the available evidence is currently insufficient to determine the role of this variant in disease. Therefore, it has been classified as a Variant of Uncertain Significance.

NM_173660.5(DOK7):c.707T>G (p.Leu236Arg)

Genes: DOK7 (docking protein 7; plus strand), LOC129992118 (ATAC-STARR-seq lymphoblastoid silent region 15206; plus strand). Cytogenetic location: 4p16.3.
Variant type: single nucleotide variant.
Coding change: c.707T>G on transcript NM_173660.5 (MANE Select); coding-DNA position 707, T replaced by G.
Protein change: p.Leu236Arg; replaces leucine 236 with arginine.
Molecular consequence: missense variant. On other transcripts: synonymous variant (1), 5 prime UTR variant (1).
Genome position (GRCh38, 1-based): chr4:3,489,731, T>G. VCF-style: chr4-3489731-T-G. GRCh37 (hg19) VCF-style: chr4-3491458-T-G.
Other names: c.696T>G, p.Pro232= (NM_001164673.2); c.-224T>G (NM_001256896.2); c.707T>G, p.Leu236Arg (NM_001301071.2); c.275T>G, p.Leu92Arg (NM_001363811.2); short protein forms L236R, L92R.
Identifiers: ClinVar variation 1056113 (VCV001056113.6), dbSNP rs2109388893, ClinGen allele CA356115517.